The following is an entry in ClinVar:

ClinVar aggregate classification (germline): Uncertain significance (1 of 4 stars; one submission).

Allele frequency attached by ClinVar (database versions not stated): TOPMed 0.00001.

Submission:

Women's Health and Genetics/Laboratory Corporation of America, LabCorp
Classification: Uncertain significance. Last evaluated: 2024-03-18. Review status: criteria provided, single submitter. Criteria: LabCorp Variant Classification Summary - May 2015. Collection method: clinical testing. Allele origin: germline.
Comment: Variant summary: RFX7 c.155C>T (p.Ser52Phe) results in a non-conservative amino acid change in the encoded protein sequence. Three of four in-silico tools predict a damaging effect of the variant on protein function. The variant was absent in 239100 control chromosomes (gnomAD). The available data on variant occurrences in the general population are insufficient to allow any conclusion about variant significance. To our knowledge, no occurrence of c.155C>T in individuals affected with Autosomal Dominant Intellectual Developmental Disorder With Behavioral Abnormalities and no experimental evidence demonstrating its impact on protein function have been reported. No submitters have cited clinical-significance assessments for this variant to ClinVar. Based on the evidence outlined above, the variant was classified as uncertain significance.

NM_022841.7(RFX7):c.155C>T (p.Ser52Phe)

Gene: RFX7 (regulatory factor X7; minus strand). Cytogenetic location: 15q21.3.
Variant type: single nucleotide variant.
Coding change: c.155C>T on transcript NM_022841.7 (MANE Select); coding-DNA position 155, C replaced by T.
Protein change: p.Ser52Phe; replaces serine 52 with phenylalanine.
Molecular consequence: missense variant. On other transcripts: 5 prime UTR variant (1).
Genome position (GRCh38, 1-based): chr15:56,243,131, G>A on the plus strand (C>T on the coding strand, the complement: RFX7 is on the minus strand). VCF-style: chr15-56243131-G-A. GRCh37 (hg19) VCF-style: chr15-56535329-G-A.
Other names: c.-103C>T (NM_001368073.2); c.155C>T, p.Ser52Phe (NM_001370561.1); short protein forms S52F.
Identifiers: ClinVar variation 3233903 (VCV003233903.2), dbSNP rs2043728632, ClinGen allele CA490542995.